The following is an entry in ClinVar:

ClinVar aggregate classification (germline): Likely benign (1 of 4 stars; one submission).

gnomAD v4.1: 32 of 1,205,182 alleles (0.0027%); highest among the groups gnomAD compares: Non-Finnish European, 0.0035%; no homozygotes.

Submission:

CeGaT Center for Human Genetics Tuebingen
Classification: Likely benign. Last evaluated: 2026-09-01. Review status: criteria provided, single submitter. Criteria: CeGaT Center For Human Genetics Tuebingen Variant Classification Criteria Version 2. Collection method: clinical testing. Allele origin: germline. Affected: yes. Observed: 1 variant allele.
Comment: HUWE1: BS2

NM_031407.7(HUWE1):c.12609G>A (p.Lys4203=)

Gene: HUWE1 (HECT, UBA and WWE domain containing E3 ubiquitin protein ligase 1; minus strand). Cytogenetic location: Xp11.22.
Variant type: single nucleotide variant.
Coding change: c.12609G>A on transcript NM_031407.7 (MANE Select); coding-DNA position 12609, G replaced by A.
Protein change: p.Lys4203=; no amino-acid change (lysine 4203 retained).
Molecular consequence: synonymous variant.
Genome position (GRCh38, 1-based): chrX:53,535,424, C>T on the plus strand (G>A on the coding strand, the complement: HUWE1 is on the minus strand). VCF-style: chrX-53535424-C-T. GRCh37 (hg19) VCF-style: chrX-53562385-C-T.
Other names: c.12561G>A, p.Lys4187= (NM_001441048.1, NM_001441053.1, NM_001441058.1); c.12564G>A, p.Lys4188= (NM_001441049.1, NM_001441054.1); c.12585G>A, p.Lys4195= (NM_001441050.1, NM_001441055.1); c.12606G>A, p.Lys4202= (NM_001441051.1, NM_001441056.1); c.12207G>A, p.Lys4069= (NM_001441052.1); c.12609G>A, p.Lys4203= (NM_001441057.1).
Identifiers: ClinVar variation 5041021 (VCV005041021.1).